The following is an entry in ClinVar:

NM_001204.7(BMPR2):c.1175T>C (p.Val392Ala)

Gene: BMPR2 (bone morphogenetic protein receptor type 2; plus strand). Cytogenetic location: 2q33.2.
Variant type: single nucleotide variant.
Coding change: c.1175T>C on transcript NM_001204.7 (MANE Select); coding-DNA position 1175, T replaced by C.
Protein change: p.Val392Ala; replaces valine 392 with alanine.
Molecular consequence: missense variant.
Genome position (GRCh38, 1-based): chr2:202,532,631, T>C. VCF-style: chr2-202532631-T-C. GRCh37 (hg19) VCF-style: chr2-203397354-T-C.
Other names: NM_001204.7(BMPR2):c.1175T>C; p.Val392Ala; c.1175T>C (LRG_712t1); short protein forms V392A.
Identifiers: ClinVar variation 425889 (VCV000425889.2), dbSNP rs1085307309, ClinGen allele CA350341779.
Genomic context (GRCh38, chr2:202,532,631, plus strand): 5'-CTCTAATTTATCAGGTTGGCACTATCAGATATATGGCACCAGAAGTGCTAGAAGGAGCTG[T>C]GAACTTGAGGGACTGTGAATCAGCTTTGAAACAAGTAGACATGTATGCTCTTGGACTAAT-3'
Protein context (NP_001195.2, residues 382-402): YMAPEVLEGA[Val392Ala]NLRDCESALK

ClinVar aggregate classification (germline): Uncertain significance. Review status: reviewed by expert panel (3 of 4 stars). 2 submissions from 2 submitters: Uncertain significance (1). 1 of the submissions does not count toward it. Last evaluated 2024-11-06.

Conditions:
Pulmonary arterial hypertension. Identifiers: Orphanet 182090, MedGen C2973725, MeSH D000081029, MONDO:0015924, HP:0002092.
Pulmonary hypertension, primary, 1 (PPH1). Also called: Pulmonary hypertension, familial primary, 1, with or without HHT. Identifiers: Orphanet 422, MedGen C4552070, MONDO:0024533, OMIM 178600.

Submissions (2):

Clingen Pulmonary Hypertension Variant Curation Expert Panel, ClinGen
Classification: Uncertain significance for Pulmonary arterial hypertension. Last evaluated: 2024-11-06. Review status: reviewed by expert panel. Criteria: ClinGen PH ACMG Specifications BMPR2 V1.1.0. Collection method: curation. Allele origin: germline. Inheritance: Autosomal dominant inheritance.
Comment: The NM_001204.7(BMPR2) c.1175T>C (p.Val392Ala) variant is located in exon 9 of the BMPR2 gene and is absent from gnomAD v2.1.1 (controls) and v4.1.0 (PM2_supporting). The variant is located in the functionally relevant catalytic kinase domain (PM1_met) but is not a critical or non-critical residue. The variant has been reported in only one individual with IPAH (PMID: 21737554 and 20002458) (PS4 not met). The REVEL score for the variant is 0.954, which is greater than the PH VCEP threshold of >= 0.75, and the AlphaMissense score is 0.9795, indicating pathogenicity (PP3_met). No segregation or parental data were found (PP1 and PS2 not evaluated). No other amino acid change at the same position has been reported for PAH (PS1 and PM5 not evaluated). No functional evidence was found (PS3 not evaluated). In summary, this variant meets the criteria to be classified as a variant of uncertain significance for pulmonary arterial hypertension based on the ACMG/AMP criteria applied, as specified by the ClinGen Pulmonary Hypertension VCEP: PM2_supporting, PM1, PP3 (VCEP specification version 1.1.0, 1/18/2024).

Rare Disease Genomics Group, St George's University of London
Classification: Pathogenic for Primary pulmonary hypertension. Review status: no assertion criteria provided. Collection method: literature only. Allele origin: germline. Affected: yes. Not counted in ClinVar's aggregate classification.

Literature cited by the submitters: PubMed 20002458 (cited by Rare Disease Genomics Group, St George's University of London); PubMed 21737554 (cited by Rare Disease Genomics Group, St George's University of London).